The following is an entry in ClinVar:

ClinVar aggregate classification (germline): Uncertain significance. Review status: criteria provided, multiple submitters, no conflicts (2 of 4 stars). 2 submissions from 2 submitters: Uncertain significance (2). Last evaluated 2025-12-22.

Conditions:
Primary ciliary dyskinesia. Also called: Ciliary dyskinesia. Identifiers: Orphanet 244, MedGen C0008780, MONDO:0016575, HP:0012265.

Submissions (2):

Ambry Genetics
Classification: Uncertain significance for Primary ciliary dyskinesia. Last evaluated: 2025-12-22. Review status: criteria provided, single submitter. Criteria: Ambry Variant Classification Scheme 2023. Collection method: clinical testing. Allele origin: germline.

Labcorp Genetics (formerly Invitae), Labcorp
Classification: Uncertain significance for Primary ciliary dyskinesia. Last evaluated: 2023-08-17. Review status: criteria provided, single submitter. Criteria: Invitae Variant Classification Sherloc (09022015). Collection method: clinical testing. Allele origin: germline.
Comment: In summary, the available evidence is currently insufficient to determine the role of this variant in disease. Therefore, it has been classified as a Variant of Uncertain Significance. Advanced modeling of protein sequence and biophysical properties (such as structural, functional, and spatial information, amino acid conservation, physicochemical variation, residue mobility, and thermodynamic stability) performed at Invitae indicates that this missense variant is not expected to disrupt DNAH5 protein function. ClinVar contains an entry for this variant (Variation ID: 2415574). This variant has not been reported in the literature in individuals affected with DNAH5-related conditions. This variant is not present in population databases (gnomAD no frequency). This sequence change replaces leucine, which is neutral and non-polar, with phenylalanine, which is neutral and non-polar, at codon 1997 of the DNAH5 protein (p.Leu1997Phe).

NM_001369.3(DNAH5):c.5989C>T (p.Leu1997Phe)

Gene: DNAH5 (dynein axonemal heavy chain 5; minus strand). Cytogenetic location: 5p15.2.
Variant type: single nucleotide variant.
Coding change: c.5989C>T on transcript NM_001369.3 (MANE Select); coding-DNA position 5989, C replaced by T.
Protein change: p.Leu1997Phe; replaces leucine 1997 with phenylalanine.
Molecular consequence: missense variant.
Genome position (GRCh38, 1-based): chr5:13,830,669, G>A on the plus strand (C>T on the coding strand, the complement: DNAH5 is on the minus strand). VCF-style: chr5-13830669-G-A. GRCh37 (hg19) VCF-style: chr5-13830778-G-A.
Other names: c.5989C>T (NM_001369.2); short protein forms L1997F.
Identifiers: ClinVar variation 2415574 (VCV002415574.6), dbSNP rs2546881989, ClinGen allele CA359202621.
Genomic context (GRCh38, chr5:13,830,669, plus strand): 5'-GTCCAAGTCCTCGGAAATCCATCTGGTCTGAACAATTGAAAACCACGACGTATTTCCCGA[G>A]GCATCGTCCCATGTCTTTAGTGGTTTCTGTTTTGCCTGTGCCTGCAGGTCCAGCAGGGGC-3'
Protein context (NP_001360.1, residues 1987-2007): TETTKDMGRC[Leu1997Phe]GKYVVVFNCS